The following is an entry in ClinVar:

ClinVar aggregate classification (germline): Likely benign. Review status: criteria provided, multiple submitters, no conflicts (2 of 4 stars). 3 submissions from 3 submitters: Likely benign (3). Last evaluated 2024-07-15.

Conditions:
Diabetic retinopathy. Identifiers: MedGen C0011884, MONDO:0005266.

Allele frequency attached by ClinVar (database versions not stated): ExAC 0.00001; gnomAD 0.00002; gnomAD exomes 0.00002 and 0.00003; TOPMed 0.00002.
gnomAD v4.1: 42 of 1,613,712 alleles (0.0026%); highest among the groups gnomAD compares: Non-Finnish European, 0.0034%; no homozygotes.

Submissions (3):

Blueprint Genetics
Classification: Likely benign. Last evaluated: 2024-07-15. Review status: criteria provided, single submitter. Criteria: ACMG Guidelines, 2015. Collection method: clinical testing. Allele origin: germline.

GeneDx
Classification: Likely benign. Last evaluated: 2018-01-25. Review status: criteria provided, single submitter. Criteria: GeneDx Variant Classification (06012015). Collection method: clinical testing. Allele origin: germline. Affected: yes.
Comment: This variant is considered likely benign or benign based on one or more of the following criteria: it is a conservative change, it occurs at a poorly conserved position in the protein, it is predicted to be benign by multiple in silico algorithms, and/or has population frequency not consistent with disease.

Clinical Genomics, Uppaluri K&H Personalized Medicine Clinic
Classification: Likely benign for Diabetic retinopathy. Review status: criteria provided, single submitter. Criteria: K And H Uppaluri Personalized Medicine Clinic Variant Classification And Assertion Criteria Updated V 2. Collection method: research. Allele origin: unknown.
Comment: Potent mutations in TGFBR2 gene encodes the transforming growth factor that have been associated with angiogenesis and diabetic retinopathy. More clinical studies are needed for stronger association. However, more evidence is required to confer the association of this particular variant rs770994456 with diabetic retinopathy.

Literature cited by the submitters: PubMed 30222965 (cited by Clinical Genomics, Uppaluri K&H Personalized Medicine Clinic); PubMed 28162229 (cited by Clinical Genomics, Uppaluri K&H Personalized Medicine Clinic); PubMed 34572573 (cited by Clinical Genomics, Uppaluri K&H Personalized Medicine Clinic).

NM_003242.6(TGFBR2):c.94+16308T>C

Gene: TGFBR2 (transforming growth factor beta receptor 2; plus strand). Cytogenetic location: 3p24.1.
Variant type: single nucleotide variant.
Coding change: c.94+16308T>C on transcript NM_003242.6 (MANE Select); 16308 bases into the intron after coding-DNA position 94, T replaced by C.
Molecular consequence: intron variant.
Genome position (GRCh38, 1-based): chr3:30,623,285, T>C. VCF-style: chr3-30623285-T-C. GRCh37 (hg19) VCF-style: chr3-30664777-T-C.
Other names: c.-12+16692T>C (NM_001407129.1, NM_001407132.1); c.-125+12T>C (NM_001407136.1); c.-115+12T>C (NM_001407133.1); c.169+12T>C (NM_001407126.1, NM_001024847.3, NM_001407139.1 and 1 more transcripts); c.-114-9459T>C (NM_001407135.1); c.-67-11455T>C (NM_001407134.1); c.94+16308T>C (NM_001407127.1, NM_001407130.1, NM_001407138.1); c.121+12T>C (NM_001407128.1).
Identifiers: ClinVar variation 390750 (VCV000390750.4), dbSNP rs770994456, ClinGen allele CA050475.